The following is an entry in ClinVar:

NM_004385.5(VCAN):c.3346A>T (p.Thr1116Ser)

Gene: VCAN (versican; plus strand). Cytogenetic location: 5q14.3.
Variant type: single nucleotide variant.
Coding change: c.3346A>T on transcript NM_004385.5 (MANE Select); coding-DNA position 3346, A replaced by T.
Protein change: p.Thr1116Ser; replaces threonine 1116 with serine.
Molecular consequence: missense variant. On other transcripts: intron variant (2).
Genome position (GRCh38, 1-based): chr5:83,521,652, A>T. VCF-style: chr5-83521652-A-T. GRCh37 (hg19) VCF-style: chr5-82817471-A-T.
Other names: c.3346A>T, p.Thr1116Ser (NM_001164098.2); c.1042+9256A>T (NM_001164097.2, NM_001126336.3); short protein forms T1116S.
Identifiers: ClinVar variation 1924495 (VCV001924495.5), dbSNP rs745510517, ClinGen allele CA360305861.

ClinVar aggregate classification (germline): Uncertain significance (1 of 4 stars; one submission).

Allele frequency attached by ClinVar (database versions not stated): TOPMed 0.00002.
gnomAD v4.1: 1 of 1,613,896 alleles (0.000062%); highest among the groups gnomAD compares: Admixed American, 0.0017%; no homozygotes.

Submission:

Labcorp Genetics (formerly Invitae), Labcorp
Classification: Uncertain significance. Last evaluated: 2022-10-13. Review status: criteria provided, single submitter. Criteria: Invitae Variant Classification Sherloc (09022015). Collection method: clinical testing. Allele origin: germline.
Comment: In summary, the available evidence is currently insufficient to determine the role of this variant in disease. Therefore, it has been classified as a Variant of Uncertain Significance. Algorithms developed to predict the effect of missense changes on protein structure and function (SIFT, PolyPhen-2, Align-GVGD) all suggest that this variant is likely to be tolerated. This variant has not been reported in the literature in individuals affected with VCAN-related conditions. This variant is present in population databases (no rsID available, gnomAD 0.003%). This sequence change replaces threonine, which is neutral and polar, with serine, which is neutral and polar, at codon 1116 of the VCAN protein (p.Thr1116Ser).